The following is an entry in ClinVar:

NM_013382.7(POMT2):c.1911T>G (p.Leu637=)

Gene: POMT2 (protein O-mannosyltransferase 2; minus strand). Cytogenetic location: 14q24.3.
Variant type: single nucleotide variant.
Coding change: c.1911T>G on transcript NM_013382.7 (MANE Select); coding-DNA position 1911, T replaced by G.
Protein change: p.Leu637=; no amino-acid change (leucine 637 retained).
Molecular consequence: synonymous variant.
Genome position (GRCh38, 1-based): chr14:77,278,850, A>C on the plus strand (T>G on the coding strand, the complement: POMT2 is on the minus strand). VCF-style: chr14-77278850-A-C. GRCh37 (hg19) VCF-style: chr14-77745193-A-C.
Identifiers: ClinVar variation 166901 (VCV000166901.26), dbSNP rs3209079, ClinGen allele CA179903.

ClinVar aggregate classification (germline): Benign. Review status: criteria provided, multiple submitters, no conflicts (2 of 4 stars). 11 submissions from 9 submitters: Benign (8). 3 of the submissions do not count toward it. Last evaluated 2026-02-04.

Conditions:
Autosomal recessive limb-girdle muscular dystrophy type 2N. Also called: MUSCULAR DYSTROPHY-DYSTROGLYCANOPATHY, LIMB-GIRDLE, POMT2-RELATED; Muscular dystrophy-dystroglycanopathy (limb-girdle), type C, 2. Identifiers: Orphanet 206559, MedGen C3150418, MONDO:0013162, OMIM 613158.
Muscular dystrophy-dystroglycanopathy (congenital with brain and eye anomalies), type A2. Also called: MUSCULAR DYSTROPHY-DYSTROGLYCANOPATHY (CONGENITAL WITH BRAIN AND EYE ANOMALIES), TYPE A, 2; WALKER-WARBURG SYNDROME OR MUSCLE-EYE-BRAIN DISEASE, POMT2-RELATED. Identifiers: Orphanet 588, Orphanet 899, MedGen C3150411, MONDO:0013154, OMIM 613150.
Muscular dystrophy-dystroglycanopathy (congenital with impaired intellectual development), type B, 2. Also called: MUSCULAR DYSTROPHY, CONGENITAL, POMT2-RELATED; Muscular dystrophy-dystroglycanopathy (congenital with intellectual disability), type B2. Identifiers: MedGen C3150416, MONDO:0013160, OMIM 613156.

Allele frequency attached by ClinVar (database versions not stated): TOPMed 0.81630; ExAC 0.81764; ESP Exome Variant Server 0.81947; gnomAD 0.82074 and 0.82113; 1000 Genomes Project 30x 0.84369; 1000 Genomes Project 0.84704.
gnomAD v4.1: 1,301,631 of 1,613,018 alleles (81%); highest among the groups gnomAD compares: East Asian, 96%; 526,421 homozygotes.

Submissions (11):

Labcorp Genetics (formerly Invitae), Labcorp
Classification: Benign for Muscular dystrophy-dystroglycanopathy (congenital with impaired intellectual development), type B, 2; Muscular dystrophy-dystroglycanopathy (congenital with brain and eye anomalies), type A2; Autosomal recessive limb-girdle muscular dystrophy type 2N. Last evaluated: 2026-02-04. Review status: criteria provided, single submitter. Criteria: Invitae Variant Classification Sherloc (09022015). Collection method: clinical testing. Allele origin: germline.

Blueprint Genetics
Classification: Benign. Last evaluated: 2024-11-27. Review status: criteria provided, single submitter. Criteria: ACMG Guidelines, 2015. Collection method: clinical testing. Allele origin: germline.

Genome-Nilou Lab
Classification: Benign for Muscular dystrophy-dystroglycanopathy (congenital with brain and eye anomalies), type A2. Last evaluated: 2021-10-25. Review status: criteria provided, single submitter. Criteria: ACMG Guidelines, 2015. Collection method: clinical testing. Allele origin: germline. Affected: no.

Genome-Nilou Lab
Classification: Benign for Muscular dystrophy-dystroglycanopathy (congenital with impaired intellectual development), type B, 2. Last evaluated: 2021-10-25. Review status: criteria provided, single submitter. Criteria: ACMG Guidelines, 2015. Collection method: clinical testing. Allele origin: germline. Affected: no.

Genome-Nilou Lab
Classification: Benign for Autosomal recessive limb-girdle muscular dystrophy type 2N. Last evaluated: 2021-10-25. Review status: criteria provided, single submitter. Criteria: ACMG Guidelines, 2015. Collection method: clinical testing. Allele origin: germline. Affected: no.

Laboratory for Molecular Medicine, Mass General Brigham Personalized Medicine
Classification: Benign. Last evaluated: 2014-11-24. Review status: criteria provided, single submitter. Criteria: LMM Criteria. Collection method: clinical testing. Allele origin: germline. Observed: 13 variant alleles.
Comment: Leu637Leu in exon 19 of POMT2: This variant is not expected to have clinical sig nificance because it does not alter an amino acid residue and is not located wit hin the splice consensus sequence. It has been identified in 19.0% (1637/8600) o f European American chromosomes from a broad population by the NHLBI Exome Seque ncing Project (dbSNP rs3209079).

Eurofins Ntd Llc (ga)
Classification: Benign. Last evaluated: 2013-06-05. Review status: criteria provided, single submitter. Criteria: EGL Classification Definitions 2015. Collection method: clinical testing. Allele origin: germline. Observed: 79 variant alleles, 23 heterozygotes, 56 homozygotes.

Breakthrough Genomics
Classification: Benign. Review status: criteria provided, single submitter. Criteria: ACMG Guidelines, 2015. Collection method: not provided. Allele origin: germline. Inheritance: Autosomal recessive inheritance. Affected: yes.

Clinical Genetics DNA and cytogenetics Diagnostics Lab, Erasmus MC, Erasmus Medical Center
Classification: Benign. Review status: no assertion criteria provided. Collection method: clinical testing. Allele origin: germline. Affected: yes. Study: VKGL Data-share Consensus. Not counted in ClinVar's aggregate classification.

Clinical Genetics, Academic Medical Center
Classification: Benign. Review status: no assertion criteria provided. Collection method: clinical testing. Allele origin: germline. Affected: yes. Study: VKGL Data-share Consensus. Not counted in ClinVar's aggregate classification.

Diagnostic Laboratory, Department of Genetics, University Medical Center Groningen
Classification: Benign. Review status: no assertion criteria provided. Collection method: clinical testing. Allele origin: germline. Affected: yes. Study: VKGL Data-share Consensus. Not counted in ClinVar's aggregate classification.